The following is an entry in ClinVar:

NM_025179.4(PLXNA2):c.4506G>A (p.Leu1502=)

Gene: PLXNA2 (plexin A2; minus strand). Cytogenetic location: 1q32.2.
Variant type: single nucleotide variant.
Coding change: c.4506G>A on transcript NM_025179.4 (MANE Select); coding-DNA position 4506, G replaced by A.
Protein change: p.Leu1502=; no amino-acid change (leucine 1502 retained).
Molecular consequence: synonymous variant.
Genome position (GRCh38, 1-based): chr1:208,038,979, C>T on the plus strand (G>A on the coding strand, the complement: PLXNA2 is on the minus strand). VCF-style: chr1-208038979-C-T. GRCh37 (hg19) VCF-style: chr1-208212324-C-T.
Identifiers: ClinVar variation 3031619 (VCV003031619.2), dbSNP rs746884893, ClinGen allele CA1372853.

ClinVar aggregate classification (germline): Likely benign (0 of 4 stars; one submission).

Conditions:
PLXNA2-related disorder. Also called: PLXNA2-related condition.

Allele frequency attached by ClinVar (database versions not stated): gnomAD exomes below 0.00001; TOPMed below 0.00001; ExAC 0.00001.

Submission:

PreventionGenetics, part of Exact Sciences
Classification: Likely benign for PLXNA2-related condition. Last evaluated: 2023-01-26. Review status: no assertion criteria provided. Collection method: clinical testing. Allele origin: germline.
Comment: This variant is classified as likely benign based on ACMG/AMP sequence variant interpretation guidelines (Richards et al. 2015 PMID: 25741868, with internal and published modifications).